The following is an entry in ClinVar:

NM_000245.4(MET):c.2750_2751insT (p.Thr918fs)

Gene: MET (MET proto-oncogene, receptor tyrosine kinase; plus strand). Cytogenetic location: 7q31.2.
Variant type: Insertion.
Coding change: c.2750_2751insT on transcript NM_000245.4 (MANE Select); coding-DNA positions 2750 to 2751, T inserted.
Protein change: p.Thr918fs; shifts the reading frame from threonine 918.
Molecular consequence: frameshift variant.
Genome position: GRCh38 VCF-style: chr7-116771517-C-CT. GRCh37 (hg19) VCF-style: chr7-116411571-C-CT.
Other names: c.2804_2805insT, p.Thr936fs (NM_001127500.3); c.1460_1461insT, p.Thr488fs (NM_001324402.2); short protein forms T936fs, T488fs, T918fs.
Identifiers: ClinVar variation 4647556 (VCV004647556.1).

ClinVar aggregate classification (germline): Uncertain significance (1 of 4 stars; one submission).

Conditions:
Hereditary cancer-predisposing syndrome. Also called: Neoplastic Syndromes, Hereditary; Tumor predisposition; Hereditary Cancer Syndrome; Hereditary neoplastic syndrome. Identifiers: Orphanet 140162, MedGen C0027672, MeSH D009386, MONDO:0015356.

Submission:

Ambry Genetics
Classification: Uncertain significance for Hereditary cancer-predisposing syndrome. Last evaluated: 2025-10-07. Review status: criteria provided, single submitter. Criteria: Ambry Variant Classification Scheme 2023. Collection method: clinical testing. Allele origin: germline.
Comment: The c.2804_2805insT variant, located in coding exon 12 of the MET gene, results from an insertion of one nucleotide at position 2804, causing a translational frameshift with a predicted alternate stop codon (p.T936Nfs*45). This alteration is expected to result in loss of function by premature protein truncation or nonsense-mediated mRNA decay. However, loss of function of MET has not been established as a mechanism of disease. Based on the available evidence, the clinical significance of this alteration remains unclear.